The following is an entry in ClinVar:

ClinVar aggregate classification (germline): Uncertain significance. Review status: criteria provided, multiple submitters, no conflicts (2 of 4 stars). 2 submissions from 2 submitters: Uncertain significance (2). Last evaluated 2025-02-03.

Conditions:
Hereditary nonpolyposis colorectal neoplasms. Identifiers: MedGen C0009405, MeSH D003123.
Hereditary cancer-predisposing syndrome. Also called: Neoplastic Syndromes, Hereditary; Tumor predisposition; Hereditary Cancer Syndrome; Hereditary neoplastic syndrome. Identifiers: Orphanet 140162, MedGen C0027672, MeSH D009386, MONDO:0015356.

Submissions (2):

Labcorp Genetics (formerly Invitae), Labcorp
Classification: Uncertain significance for Hereditary nonpolyposis colorectal neoplasms. Last evaluated: 2025-02-03. Review status: criteria provided, single submitter. Criteria: Invitae Variant Classification Sherloc (09022015). Collection method: clinical testing. Allele origin: germline.
Comment: This sequence change replaces alanine, which is neutral and non-polar, with glycine, which is neutral and non-polar, at codon 1349 of the MSH6 protein (p.Ala1349Gly). This variant is not present in population databases (gnomAD no frequency). This variant has not been reported in the literature in individuals affected with MSH6-related conditions. ClinVar contains an entry for this variant (Variation ID: 1737322). Invitae Evidence Modeling of protein sequence and biophysical properties (such as structural, functional, and spatial information, amino acid conservation, physicochemical variation, residue mobility, and thermodynamic stability) indicates that this missense variant is not expected to disrupt MSH6 protein function with a negative predictive value of 95%. In summary, the available evidence is currently insufficient to determine the role of this variant in disease. Therefore, it has been classified as a Variant of Uncertain Significance.

Ambry Genetics
Classification: Uncertain significance for Hereditary cancer-predisposing syndrome. Last evaluated: 2022-09-21. Review status: criteria provided, single submitter. Criteria: Ambry Variant Classification Scheme 2023. Collection method: clinical testing. Allele origin: germline.
Comment: The p.A1349G variant (also known as c.4046C>G), located in coding exon 10 of the MSH6 gene, results from a C to G substitution at nucleotide position 4046. The alanine at codon 1349 is replaced by glycine, an amino acid with similar properties. This amino acid position is conserved. In addition, the in silico prediction for this alteration is inconclusive. Since supporting evidence is limited at this time, the clinical significance of this alteration remains unclear.

NM_000179.3(MSH6):c.4046C>G (p.Ala1349Gly)

Gene: MSH6 (mutS homolog 6; plus strand). Cytogenetic location: 2p16.3.
Variant type: single nucleotide variant.
Coding change: c.4046C>G on transcript NM_000179.3 (MANE Select); coding-DNA position 4046, C replaced by G.
Protein change: p.Ala1349Gly; replaces alanine 1349 with glycine.
Molecular consequence: missense variant.
Genome position (GRCh38, 1-based): chr2:47,806,823, C>G. VCF-style: chr2-47806823-C-G. GRCh37 (hg19) VCF-style: chr2-48033962-C-G.
Other names: c.4052C>G, p.Ala1351Gly (NM_001406813.1); c.3140C>G, p.Ala1047Gly (NM_001406814.1, NM_001406815.1, NM_001406816.1 and 6 more transcripts); c.2480C>G, p.Ala827Gly (NM_001406817.1); c.3749C>G, p.Ala1250Gly (NM_001406818.1, NM_001406819.1, NM_001406820.1 and 8 more transcripts); c.*27C>G (NM_001406822.1, NM_001406801.1, NM_001406802.1 and 1 more transcripts); c.3878C>G, p.Ala1293Gly (NM_001406826.1); c.827C>G, p.Ala276Gly (NM_001406831.1); c.893C>G, p.Ala298Gly (NM_001406832.1); and 9 more; short protein forms A1291G, A1323G, A1351G, A298G, A664G, A1047G, A1293G, A1349G.
Identifiers: ClinVar variation 1737322 (VCV001737322.4), dbSNP rs2104582958, ClinGen allele CA346761708.